The following is an entry in ClinVar:

ClinVar aggregate classification (germline): Likely benign. Review status: criteria provided, multiple submitters, no conflicts (2 of 4 stars). 2 submissions from 2 submitters: Likely benign (2). Last evaluated 2024-07-20.

Conditions:
Wilson disease (WND). Also called: Wilson's disease. Identifiers: Orphanet 905, MedGen C0019202, MONDO:0010200, OMIM 277900. Disease mechanism: loss of function.

Allele frequency attached by ClinVar (database versions not stated): TOPMed below 0.00001; gnomAD 0.00001.
gnomAD v4.1: 1 of 1,614,042 alleles (0.000062%); highest among the groups gnomAD compares: Admixed American, 0.0017%; no homozygotes.

Submissions (2):

All of Us Research Program, National Institutes of Health
Classification: Likely benign for Wilson disease. Last evaluated: 2024-07-20. Review status: criteria provided, single submitter. Criteria: ACMG Guidelines, 2015. Collection method: clinical testing. Allele origin: germline. Inheritance: Autosomal recessive inheritance. Observed: 1 variant allele, 1 heterozygote.
Comment: This study involves interpretation of variants in research participants for the purpose of population health screening. Participant phenotype was not available at the time of variant classification. Additional details can be found in publication PMID: 35346344, PMCID: PMC8962531

Labcorp Genetics (formerly Invitae), Labcorp
Classification: Likely benign for Wilson disease. Last evaluated: 2022-09-05. Review status: criteria provided, single submitter. Criteria: Invitae Variant Classification Sherloc (09022015). Collection method: clinical testing. Allele origin: germline.

NM_000053.4(ATP7B):c.1470C>T (p.Cys490=)

Gene: ATP7B (ATPase copper transporting beta; minus strand). Cytogenetic location: 13q14.3.
Variant type: single nucleotide variant.
Coding change: c.1470C>T on transcript NM_000053.4 (MANE Select); coding-DNA position 1470, C replaced by T.
Protein change: p.Cys490=; no amino-acid change (cysteine 490 retained).
Molecular consequence: synonymous variant. On other transcripts: intron variant (1).
Genome position (GRCh38, 1-based): chr13:51,970,565, G>A on the plus strand (C>T on the coding strand, the complement: ATP7B is on the minus strand). VCF-style: chr13-51970565-G-A. GRCh37 (hg19) VCF-style: chr13-52544701-G-A.
Other names: c.1470C>T, p.Cys490= (NM_001005918.3, NM_001330578.2, NM_001330579.2 and 28 more transcripts); c.1137C>T, p.Cys379= (NM_001243182.2); c.1374C>T, p.Cys458= (NM_001406517.1, NM_001406518.1, NM_001406530.1 and 3 more transcripts); c.1041C>T, p.Cys347= (NM_001406539.1); c.1285+3370C>T (NM_001406548.1).
Identifiers: ClinVar variation 2029129 (VCV002029129.5), dbSNP rs778675259, ClinGen allele CA483897884.
Genomic context (GRCh38, chr13:51,970,565, plus strand): 5'-CAGATTCCTTTCTATGTTAGACACACAGGATGCACAGGTCATGCCTTTGATCTGTAAGAA[G>A]CACTTCTGCGGTGCCACTGCTCTGGTTGATTGTGGGGACTTTGCCAAGATGTCCGGGGCA-3'
Protein context (NP_000044.2, residues 480-500): QSTRAVAPQK[Cys490=]FLQIKGMTCA